The following is an entry in ClinVar:

NM_000334.4(SCN4A):c.3912+3del

Genes: GH-LCR (growth hormone locus control region; plus strand), SCN4A (sodium voltage-gated channel alpha subunit 4; minus strand). Cytogenetic location: 17q23.3.
Variant type: Deletion.
Coding change: c.3912+3del on transcript NM_000334.4 (MANE Select); 3 bases into the intron after coding-DNA position 3912, one base deleted (G; older notation c.3912+3delG).
Molecular consequence: intron variant.
Genome position (GRCh38, 1-based): chr17:63,944,670, C deleted on the plus strand (G on the coding strand, the reverse complement: SCN4A is on the minus strand). VCF-style (leftmost placement, unchanged base first): chr17-63944669-TC-T. GRCh37 (hg19) VCF-style: chr17-62022029-TC-T.
Other names: c.3912+3delG (NM_000334.4).
Identifiers: ClinVar variation 3377502 (VCV003377502.1).

ClinVar aggregate classification (germline): Uncertain significance (1 of 4 stars; one submission).

Conditions:
Potassium-aggravated myotonia. Also called: MYOTONIA CONGENITA, ACETAZOLAMIDE-RESPONSIVE; MYOTONIA CONGENITA, ATYPICAL; SODIUM CHANNEL MUSCLE DISEASE; Myotonia congenita, atypical, acetazolamide-responsive. Identifiers: Orphanet 612, Orphanet 99734, Orphanet 99735, Orphanet 99736, MedGen C2931826, MONDO:0018959, OMIM 608390.

Submission:

Victorian Clinical Genetics Services, Murdoch Childrens Research Institute
Classification: Uncertain significance for Potassium-aggravated myotonia. Last evaluated: 2022-09-02. Review status: criteria provided, single submitter. Criteria: ACMG Guidelines, 2015. Collection method: clinical testing. Allele origin: germline. Inheritance: Autosomal dominant inheritance. Affected: yes.
Comment: Based on the classification scheme VCGS_Germline_v1.3.4, this variant is classified as VUS-3A. Following criteria are met: 0103 - Loss of function (LoF) and gain of function (GoF) are known mechanisms of disease in this gene and are associated with SCN4A-related disease. GoF is a well characterised disease mechanism for autosomal dominant SCN4A-related diseases, while LoF is a mechanism associated with autosomal recessive SCN4A-related diseases (PMID: 26700687, OMIM). (I) 0108 - This gene is associated with both recessive and dominant disease. Phenotypes involving paralysis and myotonia are typically inherited in a dominant manner, whereas myasthenic syndrome and congenital myopathy display recessive inheritance (OMIM, PMID: 26700687). (I) 0115 - Variants in this gene are known to have variable expressivity. Some individuals carrying pathogenic variants do not present with a typical clinical phenotype, however they do have detectable signs of myotonia on EMG (PMID: 20301669). (I) 0212 - Non-canonical splice site variant without proven consequence on splicing (no functional evidence available). This variant, c.3912+3delG is predicted to shift the reading frame and impact on the critical guanine residue at c.3912+5. (SP) 0251 - This variant is heterozygous. (I) 0301 - Variant is absent from gnomAD (both v2 and v3). (SP) 0508 - In silico predictions for abnormal splicing are conflicting. (I) 0705 - No comparable non-canonical splice site variant variants have previous evidence for pathogenicity. (I) 0807 - This variant has no previous evidence of pathogenicity. (I) 0905 - No published segregation evidence has been identified for this variant. (I) 1007 - No published functional evidence has been identified for this variant. (I) 1208 - Inheritance information for this variant is not currently available in this individual. (I) Legend: (SP) - Supporting pathogenic, (I) - Information, (SB) - Supporting benign

Literature cited by the submitters: PubMed 20301669; PubMed 26700687.